The following is an entry in ClinVar:

ClinVar aggregate classification (germline): Likely pathogenic (1 of 4 stars; one submission).

Conditions:
Intellectual developmental disorder, X-linked, syndromic, Billuart type. Also called: MENTAL RETARDATION, X-LINKED 60; X-linked intellectual disability-cerebellar hypoplasia syndrome. Identifiers: Orphanet 137831, MedGen C1845366, MONDO:0010337, OMIM 300486.

Submission:

MVZ Medizinische Genetik Mainz
Classification: Likely pathogenic for Intellectual developmental disorder, X-linked, syndromic, Billuart type. Last evaluated: 2026-07-01. Review status: criteria provided, single submitter. Criteria: UK Practice Guidelines For Variant Classification V4 01 2020. Collection method: clinical testing. Allele origin: germline. Inheritance: Unknown mechanism. Affected: yes. Observed: 1 variant allele.
Comment: ACMG Criteria: PVS1,PM2_SUP

NM_002547.3(OPHN1):c.573_574delinsTT (p.Lys192Ter)

Gene: OPHN1 (oligophrenin 1; minus strand). Cytogenetic location: Xq12.
Variant type: Indel.
Coding change: c.573_574delinsTT on transcript NM_002547.3 (MANE Select); coding-DNA positions 573 to 574, CA replaced by TT.
Protein change: p.Lys192Ter; replaces lysine 192 with a stop codon.
Molecular consequence: nonsense.
Genome position (GRCh38, 1-based): chrX:68,213,885-68,213,886, TG replaced by AA on the plus strand (CA replaced by TT on the coding strand, the reverse complement: OPHN1 is on the minus strand). VCF-style: chrX-68213885-TG-AA. GRCh37 (hg19) VCF-style: chrX-67433727-TG-AA.
Other names: c.573_574delinsTT, p.Lys192Ter (NM_001437258.1); short protein forms K192*.
Identifiers: ClinVar variation 5038119 (VCV005038119.1).